The following is an entry in ClinVar:

NM_000493.4(COL10A1):c.547G>C (p.Gly183Arg)

Genes: COL10A1 (collagen type X alpha 1 chain; minus strand), NT5DC1 (5'-nucleotidase domain containing 1; plus strand). Cytogenetic location: 6q22.1.
Variant type: single nucleotide variant.
Coding change: c.547G>C on transcript NM_000493.4 (MANE Select); coding-DNA position 547, G replaced by C.
Protein change: p.Gly183Arg; replaces glycine 183 with arginine.
Molecular consequence: missense variant. On other transcripts: intron variant (1).
Genome position (GRCh38, 1-based): chr6:116,121,569, C>G on the plus strand (G>C on the coding strand, the complement: COL10A1 is on the minus strand). VCF-style: chr6-116121569-C-G. GRCh37 (hg19) VCF-style: chr6-116442732-C-G.
Other names: c.547G>C, p.Gly183Arg (NM_001424106.1, NM_001424107.1); c.529+3624C>G (NM_152729.3); short protein forms G183R.
Identifiers: ClinVar variation 1714506 (VCV001714506.6), dbSNP rs2534091215, ClinGen allele CA365394812.
Genomic context (GRCh38, chr6:116,121,569, plus strand): 5'-CCCTCTCACCTGGACGACCAGGAGCACCATATCCCATTTCCCCTTTCTGTCCATTCATAC[C>G]AGGGACTCCTGGTGCACCCTTTTCTCCAGGAAAGCCCCTGGGTCCTGGGGCTCCTGTGGG-3'
Protein context (NP_000484.2, residues 173-193): PGEKGAPGVP[Gly183Arg]MNGQKGEMGY

ClinVar aggregate classification (germline): Uncertain significance (1 of 4 stars; one submission).

Submission:

Labcorp Genetics (formerly Invitae), Labcorp
Classification: Uncertain significance. Last evaluated: 2025-01-20. Review status: criteria provided, single submitter. Criteria: Invitae Variant Classification Sherloc (09022015). Collection method: clinical testing. Allele origin: germline.
Comment: This sequence change replaces glycine, which is neutral and non-polar, with arginine, which is basic and polar, at codon 183 of the COL10A1 protein (p.Gly183Arg). This variant is not present in population databases (gnomAD no frequency). This variant has not been reported in the literature in individuals affected with COL10A1-related conditions. ClinVar contains an entry for this variant (Variation ID: 1714506). Invitae Evidence Modeling of protein sequence and biophysical properties (such as structural, functional, and spatial information, amino acid conservation, physicochemical variation, residue mobility, and thermodynamic stability) has been performed for this missense variant. However, the output from this modeling did not meet the statistical confidence thresholds required to predict the impact of this variant on COL10A1 protein function. Algorithms developed to predict the effect of sequence changes on RNA splicing suggest that this variant may create or strengthen a splice site. In summary, the available evidence is currently insufficient to determine the role of this variant in disease. Therefore, it has been classified as a Variant of Uncertain Significance.